The following is an entry in ClinVar:

ClinVar aggregate classification (germline): Likely benign. Review status: criteria provided, multiple submitters, no conflicts (2 of 4 stars). 2 submissions from 2 submitters: Likely benign (2). Last evaluated 2025-10-01.

Conditions:
Meckel-Gruber syndrome. Also called: Dysencephalia splachnocystica; DYSENCEPHALIA SPLANCHNOCYSTICA; GRUBER SYNDROME. Identifiers: Orphanet 564, MedGen C0265215, MONDO:0018921.
Nephronophthisis. Also called: Juvenile Nephronophthisis. Identifiers: Orphanet 655, MedGen C0687120, MONDO:0019005, HP:0000090.
Joubert syndrome. Also called: JOUBERT-BOLTSHAUSER SYNDROME; Familial aplasia of the vermis. Identifiers: Orphanet 475, MedGen C5979921, MONDO:0018772.

Allele frequency attached by ClinVar (database versions not stated): gnomAD exomes below 0.00001; TOPMed below 0.00001.
gnomAD v4.1: 3 of 1,542,736 alleles (0.00019%); highest among the groups gnomAD compares: Admixed American, 0.0068%; no homozygotes.

Submissions (2):

CeGaT Center for Human Genetics Tuebingen
Classification: Likely benign. Last evaluated: 2025-10-01. Review status: criteria provided, single submitter. Criteria: CeGaT Center For Human Genetics Tuebingen Variant Classification Criteria Version 2. Collection method: clinical testing. Allele origin: germline. Affected: yes. Observed: 2 variant alleles.
Comment: CEP290: BP4, BP7

Labcorp Genetics (formerly Invitae), Labcorp
Classification: Likely benign for Joubert syndrome; Meckel-Gruber syndrome; Nephronophthisis. Last evaluated: 2024-12-16. Review status: criteria provided, single submitter. Criteria: Invitae Variant Classification Sherloc (09022015). Collection method: clinical testing. Allele origin: germline.

NM_025114.4(CEP290):c.4443A>G (p.Leu1481=)

Gene: CEP290 (centrosomal protein 290; minus strand). Cytogenetic location: 12q21.32.
Variant type: single nucleotide variant.
Coding change: c.4443A>G on transcript NM_025114.4 (MANE Select); coding-DNA position 4443, A replaced by G.
Protein change: p.Leu1481=; no amino-acid change (leucine 1481 retained).
Molecular consequence: synonymous variant.
Genome position (GRCh38, 1-based): chr12:88,084,847, T>C on the plus strand (A>G on the coding strand, the complement: CEP290 is on the minus strand). VCF-style: chr12-88084847-T-C. GRCh37 (hg19) VCF-style: chr12-88478624-T-C.
Identifiers: ClinVar variation 1638656 (VCV001638656.32), dbSNP rs2036459644, ClinGen allele CA481076685.